The following is an entry in ClinVar:

NM_003380.5(VIM):c.1034G>A (p.Arg345His)

Gene: VIM (vimentin; plus strand). Cytogenetic location: 10p13.
Variant type: single nucleotide variant.
Coding change: c.1034G>A on transcript NM_003380.5 (MANE Select); coding-DNA position 1034, G replaced by A.
Protein change: p.Arg345His; replaces arginine 345 with histidine.
Molecular consequence: missense variant.
Genome position (GRCh38, 1-based): chr10:17,235,194, G>A. VCF-style: chr10-17235194-G-A. GRCh37 (hg19) VCF-style: chr10-17277193-G-A.
Other names: short protein forms R345H.
Identifiers: ClinVar variation 1049635 (VCV001049635.1), dbSNP rs116370722, ClinGen allele CA5426663.

ClinVar aggregate classification (germline): Uncertain significance (0 of 4 stars; one submission).

Allele frequency attached by ClinVar (database versions not stated): gnomAD 0.00001 and 0.00003; TOPMed 0.00002; gnomAD exomes 0.00004 and 0.00006; ExAC 0.00008; 1000 Genomes Project 30x 0.00016; 1000 Genomes Project 0.00020.
gnomAD v4.1: 66 of 1,614,214 alleles (0.0041%); highest among the groups gnomAD compares: East Asian, 0.045%; no homozygotes.

Submission:

Department of Pathology and Laboratory Medicine, Sinai Health System
Classification: Uncertain significance. Review status: no assertion criteria provided. Collection method: clinical testing. Allele origin: unknown. Affected: yes. Study: The Canadian Open Genetics Repository (COGR).
Comment: The VIM p.Arg345His variant was not identified in the literature nor was it identified in ClinVar. The variant was identified in dbSNP (ID: rs116370722) and in control databases in 16 of 251474 chromosomes at a frequency of 0.00006362 (Genome Aggregation Database March 6, 2019, v2.1.1). The variant was observed in the following populations: South Asian in 9 of 30616 chromosomes (freq: 0.000294), African in 1 of 16254 chromosomes (freq: 0.000062), East Asian in 1 of 18394 chromosomes (freq: 0.000054), European (non-Finnish) in 4 of 113756 chromosomes (freq: 0.000035) and Latino in 1 of 34590 chromosomes (freq: 0.000029), but was not observed in the Ashkenazi Jewish, European (Finnish), or Other populations. The p.Arg345 residue is conserved in mammals and computational analyses (PolyPhen-2, SIFT, AlignGVGD, BLOSUM, MutationTaster) provide inconsistent predictions regarding the impact to the protein; this information is not very predictive of pathogenicity. The variant occurs outside of the splicing consensus sequence and in silico or computational prediction software programs (SpliceSiteFinder, MaxEntScan, NNSPLICE, GeneSplicer) do not predict a difference in splicing. In summary, based on the above information the clinical significance of this variant cannot be determined with certainty at this time. This variant is classified as a variant of uncertain significance.